The following is an entry in ClinVar:

ClinVar aggregate classification (germline): Uncertain significance (1 of 4 stars; one submission).

Conditions:
Inborn genetic diseases. Identifiers: MedGen C0950123, MeSH D030342.

Submission:

Ambry Genetics
Classification: Uncertain significance for Inborn genetic diseases. Last evaluated: 2026-04-18. Review status: criteria provided, single submitter. Criteria: Ambry Variant Classification Scheme 2023. Collection method: clinical testing. Allele origin: germline.
Comment: The p.A449P variant (also known as c.1345G>C), located in coding exon 14 of the FANCA gene, results from a G to C substitution at nucleotide position 1345. The alanine at codon 449 is replaced by proline, an amino acid with highly similar properties. This amino acid position is conserved. In addition, this alteration is predicted to be deleterious by in silico analysis. Based on the available evidence, the clinical significance of this variant remains unclear.

NM_000135.4(FANCA):c.1345G>C (p.Ala449Pro)

Gene: FANCA (FA complementation group A; minus strand). Cytogenetic location: 16q24.3.
Variant type: single nucleotide variant.
Coding change: c.1345G>C on transcript NM_000135.4 (MANE Select); coding-DNA position 1345, G replaced by C.
Protein change: p.Ala449Pro; replaces alanine 449 with proline.
Molecular consequence: missense variant.
Genome position (GRCh38, 1-based): chr16:89,791,417, C>G on the plus strand (G>C on the coding strand, the complement: FANCA is on the minus strand). VCF-style: chr16-89791417-C-G. GRCh37 (hg19) VCF-style: chr16-89857825-C-G.
Other names: c.1345G>C, p.Ala449Pro (NM_001286167.3); short protein forms A449P.
Identifiers: ClinVar variation 4870840 (VCV004870840.1).
Genomic context (GRCh38, chr16:89,791,417, plus strand): 5'-TTCTGGGAAGATCAGGTATTAGGTAGCCGATTGGCAGGTCACTTACCTTGAACCAGTCTG[C>G]ATATGACAGGAACGCAGAGGGGCCCTCCAGTGCTGCCTGGCGCACAACCAGGAACGCAGT-3'
Protein context (NP_000126.2, residues 439-459): LEGPSAFLSY[Ala449Pro]DWFKASFGST